The following is an entry in ClinVar:

NM_001044.5(SLC6A3):c.997T>G (p.Ser333Ala)

Gene: SLC6A3 (solute carrier family 6 member 3). Cytogenetic location: 5p15.33.
Variant type: single nucleotide variant.
Coding change: c.997T>G on transcript NM_001044.5 (MANE Select); coding-DNA position 997, T replaced by G.
Protein change: p.Ser333Ala; replaces serine 333 with alanine.
Molecular consequence: missense variant.
Genome position (GRCh38, 1-based): chr5:1,416,132, A>C on the plus strand (T>G on the coding strand, the complement: SLC6A3 is on the minus strand). VCF-style: chr5-1416132-A-C. GRCh37 (hg19) VCF-style: chr5-1416247-A-C.
Other names: short protein forms S333A.
Identifiers: ClinVar variation 955718 (VCV000955718.1), dbSNP rs1756285211, ClinGen allele CA359083924.

ClinVar aggregate classification (germline): Uncertain significance (1 of 4 stars; one submission).

Conditions:
Parkinsonism-dystonia, infantile. Identifiers: Orphanet 238455, MedGen C2751067, MONDO:0013150.

Allele frequency attached by ClinVar (database versions not stated): TOPMed below 0.00001.

Submission:

Labcorp Genetics (formerly Invitae), Labcorp
Classification: Uncertain significance for Infantile dystonia-parkinsonism. Last evaluated: 2019-09-16. Review status: criteria provided, single submitter. Criteria: Invitae Variant Classification Sherloc (09022015). Collection method: clinical testing. Allele origin: germline.
Comment: This sequence change replaces serine with alanine at codon 333 of the SLC6A3 protein (p.Ser333Ala). The serine residue is highly conserved and there is a moderate physicochemical difference between serine and alanine. This variant is not present in population databases (ExAC no frequency). This variant has not been reported in the literature in individuals with SLC6A3-related conditions. Algorithms developed to predict the effect of missense changes on protein structure and function (SIFT, PolyPhen-2, Align-GVGD) all suggest that this variant is likely to be tolerated, but these predictions have not been confirmed by published functional studies and their clinical significance is uncertain. In summary, the available evidence is currently insufficient to determine the role of this variant in disease. Therefore, it has been classified as a Variant of Uncertain Significance.